The following is an entry in ClinVar:

NM_001379200.1(TBX1):c.1464C>G (p.Tyr488Ter)

Gene: TBX1 (T-box transcription factor 1; plus strand). Cytogenetic location: 22q11.21.
Variant type: single nucleotide variant.
Coding change: c.1464C>G on transcript NM_001379200.1 (MANE Select); coding-DNA position 1464, C replaced by G.
Protein change: p.Tyr488Ter; replaces tyrosine 488 with a stop codon.
Molecular consequence: nonsense. On other transcripts: intron variant (2).
Genome position (GRCh38, 1-based): chr22:19,766,816, C>G. VCF-style: chr22-19766816-C-G. GRCh37 (hg19) VCF-style: chr22-19754339-C-G.
Other names: c.1437C>G, p.Tyr479Ter (NM_080647.1); c.1009+814C>G (NM_005992.1, NM_080646.2); short protein forms Y479*, Y488*.
Identifiers: ClinVar variation 4534432 (VCV004534432.6).

ClinVar aggregate classification (germline): Uncertain significance (1 of 4 stars; one submission).

Submission:

CeGaT Center for Human Genetics Tuebingen
Classification: Uncertain significance. Last evaluated: 2025-11-01. Review status: criteria provided, single submitter. Criteria: CeGaT Center For Human Genetics Tuebingen Variant Classification Criteria Version 2. Collection method: clinical testing. Allele origin: germline. Affected: yes. Observed: 1 variant allele.
Comment: TBX1: PM2, PVS1:Moderate